The following is an entry in ClinVar:

NM_021831.6(AGBL5):c.945C>T (p.Tyr315=)

Gene: AGBL5 (AGBL carboxypeptidase 5; plus strand). Cytogenetic location: 2p23.3.
Variant type: single nucleotide variant.
Coding change: c.945C>T on transcript NM_021831.6 (MANE Select); coding-DNA position 945, C replaced by T.
Protein change: p.Tyr315=; no amino-acid change (tyrosine 315 retained).
Molecular consequence: synonymous variant. On other transcripts: non-coding transcript variant (2).
Genome position (GRCh38, 1-based): chr2:27,055,718, C>T. VCF-style: chr2-27055718-C-T. GRCh37 (hg19) VCF-style: chr2-27278586-C-T.
Other names: c.945C>T, p.Tyr315= (NM_001035507.3).
Identifiers: ClinVar variation 741965 (VCV000741965.12), dbSNP rs529046053, ClinGen allele CA1567773.

ClinVar aggregate classification (germline): Benign/Likely benign. Review status: criteria provided, multiple submitters, no conflicts (2 of 4 stars). 3 submissions from 3 submitters: Benign (1); Likely benign (1). 1 of the submissions does not count toward it. Last evaluated 2026-01-29.

Conditions:
AGBL5-related disorder. Also called: AGBL5-related condition.

Allele frequency attached by ClinVar (database versions not stated): gnomAD below 0.00001 and 0.00011; TOPMed 0.00001; gnomAD exomes 0.00028 and 0.00055; 1000 Genomes Project 30x 0.00047; ExAC 0.00056; 1000 Genomes Project 0.00060.

Submissions (3):

Labcorp Genetics (formerly Invitae), Labcorp
Classification: Benign. Last evaluated: 2026-01-29. Review status: criteria provided, single submitter. Criteria: Invitae Variant Classification Sherloc (09022015). Collection method: clinical testing. Allele origin: germline.

Blueprint Genetics
Classification: Likely benign. Last evaluated: 2024-10-30. Review status: criteria provided, single submitter. Criteria: ACMG Guidelines, 2015. Collection method: clinical testing. Allele origin: germline.

PreventionGenetics, part of Exact Sciences
Classification: Likely benign for AGBL5-related condition. Last evaluated: 2019-10-25. Review status: no assertion criteria provided. Collection method: clinical testing. Allele origin: germline. Not counted in ClinVar's aggregate classification.
Comment: This variant is classified as likely benign based on ACMG/AMP sequence variant interpretation guidelines (Richards et al. 2015 PMID: 25741868, with internal and published modifications).